The following is an entry in ClinVar:

NM_001322934.2(NFKB2):c.1267C>T (p.Pro423Ser)

Genes: NFKB2 (nuclear factor kappa B subunit 2; plus strand), LOC130004599 (ATAC-STARR-seq lymphoblastoid silent region 2756; plus strand). Cytogenetic location: 10q24.32.
Variant type: single nucleotide variant.
Coding change: c.1267C>T on transcript NM_001322934.2 (MANE Select); coding-DNA position 1267, C replaced by T.
Protein change: p.Pro423Ser; replaces proline 423 with serine.
Molecular consequence: missense variant.
Genome position (GRCh38, 1-based): chr10:102,399,437, C>T. VCF-style: chr10-102399437-C-T. GRCh37 (hg19) VCF-style: chr10-104159194-C-T.
Other names: c.1267C>T, p.Pro423Ser (NM_001077494.3, NM_001261403.3, NM_001288724.1 and 1 more transcripts); c.1141C>T, p.Pro381Ser (NM_001322935.1); short protein forms P381S, P423S.
Identifiers: ClinVar variation 1346389 (VCV001346389.6), dbSNP rs756080515, ClinGen allele CA377899244.

ClinVar aggregate classification (germline): Uncertain significance (1 of 4 stars; one submission).

Conditions:
Immunodeficiency, common variable, 10. Also called: DEFICIT IN ANTERIOR PITUITARY FUNCTION AND VARIABLE IMMUNODEFICIENCY; IMMUNODEFICIENCY, COMMON VARIABLE, WITH CENTRAL ADRENAL INSUFFICIENCY. Identifiers: MedGen C3809991, MONDO:0014260, OMIM 615577.

Submission:

Labcorp Genetics (formerly Invitae), Labcorp
Classification: Uncertain significance for Immunodeficiency, common variable, 10. Last evaluated: 2021-09-10. Review status: criteria provided, single submitter. Criteria: Invitae Variant Classification Sherloc (09022015). Collection method: clinical testing. Allele origin: germline.
Comment: This sequence change replaces proline with serine at codon 423 of the NFKB2 protein (p.Pro423Ser). The proline residue is moderately conserved and there is a moderate physicochemical difference between proline and serine. The frequency data for this variant in the population databases is considered unreliable, as metrics indicate insufficient coverage at this position in the ExAC database. This variant has not been reported in the literature in individuals affected with NFKB2-related conditions. Algorithms developed to predict the effect of missense changes on protein structure and function output the following: SIFT: "Deleterious"; PolyPhen-2: "Benign"; Align-GVGD: "Class C0". The serine amino acid residue is found in multiple mammalian species, which suggests that this missense change does not adversely affect protein function. In summary, the available evidence is currently insufficient to determine the role of this variant in disease. Therefore, it has been classified as a Variant of Uncertain Significance.